The following is an entry in ClinVar:

ClinVar aggregate classification (germline): Uncertain significance. Review status: criteria provided, multiple submitters, no conflicts (2 of 4 stars). 4 submissions from 4 submitters: Uncertain significance (4). Last evaluated 2025-09-22.

Conditions:
Hereditary cancer-predisposing syndrome. Also called: Neoplastic Syndromes, Hereditary; Hereditary Cancer Syndrome; Tumor predisposition; Hereditary neoplastic syndrome. Identifiers: Orphanet 140162, MedGen C0027672, MeSH D009386, MONDO:0015356.
Tuberous sclerosis 1 (TSC1). Identifiers: Orphanet 805, MedGen C1854465, MONDO:0008612, OMIM 191100.
Tuberous sclerosis syndrome (TSC). Also called: Tuberous Sclerosis Complex; Tuberous sclerosis. Identifiers: Orphanet 805, MedGen C0041341, MONDO:0001734.

Allele frequency attached by ClinVar (database versions not stated): TOPMed below 0.00001.
gnomAD v4.1: 9 of 1,605,996 alleles (0.00056%); highest among the groups gnomAD compares: Non-Finnish European, 0.00076%; no homozygotes.

Submissions (4):

Labcorp Genetics (formerly Invitae), Labcorp
Classification: Uncertain significance for Tuberous sclerosis 1. Last evaluated: 2025-09-22. Review status: criteria provided, single submitter. Criteria: Invitae Variant Classification Sherloc (09022015). Collection method: clinical testing. Allele origin: germline.
Comment: This sequence change replaces glutamine, which is neutral and polar, with histidine, which is basic and polar, at codon 900 of the TSC1 protein (p.Gln900His). This variant is not present in population databases (gnomAD no frequency). This variant has not been reported in the literature in individuals affected with TSC1-related conditions. ClinVar contains an entry for this variant (Variation ID: 583254). Invitae Evidence Modeling of protein sequence and biophysical properties (such as structural, functional, and spatial information, amino acid conservation, physicochemical variation, residue mobility, and thermodynamic stability) indicates that this missense variant is not expected to disrupt TSC1 protein function with a negative predictive value of 95%. In summary, the available evidence is currently insufficient to determine the role of this variant in disease. Therefore, it has been classified as a Variant of Uncertain Significance.

Color Diagnostics, LLC DBA Color Health
Classification: Uncertain significance for Tuberous sclerosis syndrome. Last evaluated: 2024-05-21. Review status: criteria provided, single submitter. Criteria: ACMG Guidelines, 2015. Collection method: clinical testing. Allele origin: germline.
Comment: This missense variant replaces glutamine with histidine at codon 900 of the TSC1 protein. Computational prediction suggests that this variant may not impact protein structure and function. To our knowledge, functional studies have not been reported for this variant. This variant has not been reported in individuals affected with TSC1-related disorders in the literature. This variant has not been identified in the general population by the Genome Aggregation Database (gnomAD). The available evidence is insufficient to determine the role of this variant in disease conclusively. Therefore, this variant is classified as a Variant of Uncertain Significance.

Ambry Genetics
Classification: Uncertain significance for Hereditary cancer-predisposing syndrome. Last evaluated: 2024-04-26. Review status: criteria provided, single submitter. Criteria: Ambry Variant Classification Scheme 2023. Collection method: clinical testing. Allele origin: germline.
Comment: The p.Q900H variant (also known as c.2700G>C), located in coding exon 19 of the TSC1 gene, results from a G to C substitution at nucleotide position 2700. The glutamine at codon 900 is replaced by histidine, an amino acid with highly similar properties. This amino acid position is highly conserved in available vertebrate species. In addition, the in silico prediction for this alteration is inconclusive. Since supporting evidence is limited at this time, the clinical significance of this alteration remains unclear.

Genome-Nilou Lab
Classification: Uncertain significance for Tuberous sclerosis 1. Last evaluated: 2021-11-07. Review status: criteria provided, single submitter. Criteria: ACMG Guidelines, 2015. Collection method: clinical testing. Allele origin: germline. Affected: no.

NM_000368.5(TSC1):c.2700G>C (p.Gln900His)

Gene: TSC1 (TSC complex subunit 1; minus strand). Cytogenetic location: 9q34.13.
Variant type: single nucleotide variant.
Coding change: c.2700G>C on transcript NM_000368.5 (MANE Select); coding-DNA position 2700, G replaced by C.
Protein change: p.Gln900His; replaces glutamine 900 with histidine.
Molecular consequence: missense variant.
Genome position (GRCh38, 1-based): chr9:132,897,536, C>G on the plus strand (G>C on the coding strand, the complement: TSC1 is on the minus strand). VCF-style: chr9-132897536-C-G. GRCh37 (hg19) VCF-style: chr9-135772923-C-G.
Other names: c.2697G>C, p.Gln899His (NM_001162426.2); c.2547G>C, p.Gln849His (NM_001162427.2); c.2337G>C, p.Gln779His (NM_001362177.2); short protein forms Q900H, Q779H, Q849H, Q899H.
Identifiers: ClinVar variation 583254 (VCV000583254.17), dbSNP rs560986491, ClinGen allele CA375369424.